The following is an entry in ClinVar:

NM_013339.4(ALG6):c.281G>A (p.Trp94Ter)

Gene: ALG6 (ALG6 alpha-1,3-glucosyltransferase; plus strand). Cytogenetic location: 1p31.3.
Variant type: single nucleotide variant.
Coding change: c.281G>A on transcript NM_013339.4 (MANE Select); coding-DNA position 281, G replaced by A.
Protein change: p.Trp94Ter; replaces tryptophan 94 with a stop codon.
Molecular consequence: nonsense.
Genome position (GRCh38, 1-based): chr1:63,404,476, G>A. VCF-style: chr1-63404476-G-A. GRCh37 (hg19) VCF-style: chr1-63870147-G-A.
Other names: short protein forms W94*.
Identifiers: ClinVar variation 2799271 (VCV002799271.3), dbSNP rs1644480834, ClinGen allele CA340634303.

ClinVar aggregate classification (germline): Pathogenic (1 of 4 stars; one submission).

Conditions:
ALG6-congenital disorder of glycosylation 1C (CDG1C). Also called: CDG Ic; CARBOHYDRATE-DEFICIENT GLYCOPROTEIN SYNDROME, TYPE I, WITH DEFICIENT GLYCOSYLATION OF DOLICHOL-LINKED OLIGOSACCHARIDE; CARBOHYDRATE-DEFICIENT GLYCOPROTEIN SYNDROME, TYPE V; Congenital disorder of glycosylation type 1C; Congenital disorder of glycosylation, type Ic. Identifiers: Orphanet 79320, MedGen C2930997, MONDO:0011291, OMIM 603147.

Allele frequency attached by ClinVar (database versions not stated): TOPMed below 0.00001.
gnomAD v4.1: 2 of 1,613,624 alleles (0.00012%); highest among the groups gnomAD compares: Non-Finnish European, 0.00017%; no homozygotes.

Submission:

Labcorp Genetics (formerly Invitae), Labcorp
Classification: Pathogenic for ALG6-congenital disorder of glycosylation 1C. Last evaluated: 2024-01-04. Review status: criteria provided, single submitter. Criteria: Invitae Variant Classification Sherloc (09022015). Collection method: clinical testing. Allele origin: germline.
Comment: This sequence change creates a premature translational stop signal (p.Trp94*) in the ALG6 gene. It is expected to result in an absent or disrupted protein product. Loss-of-function variants in ALG6 are known to be pathogenic (PMID: 19862844). This variant is not present in population databases (gnomAD no frequency). This variant has not been reported in the literature in individuals affected with ALG6-related conditions. Algorithms developed to predict the effect of sequence changes on RNA splicing suggest that this variant may disrupt the consensus splice site. For these reasons, this variant has been classified as Pathogenic.

Literature cited by the submitters: PubMed 19862844.